The following is an entry in ClinVar:

ClinVar aggregate classification (germline): Pathogenic (1 of 4 stars; one submission).

Conditions:
Dilated cardiomyopathy 1G (CMD1G). Identifiers: Orphanet 154, MedGen C1858763, MONDO:0011400, OMIM 604145.
Autosomal recessive limb-girdle muscular dystrophy type 2J (LGMDR10). Also called: Limb-girdle muscular dystrophy, type 2J; MUSCULAR DYSTROPHY, LIMB-GIRDLE, AUTOSOMAL RECESSIVE 10. Identifiers: Orphanet 140922, MedGen C1837342, MONDO:0012127, OMIM 608807.

gnomAD v4.1: 1 of 1,486,408 alleles (0.000067%); no homozygotes.

Submission:

Labcorp Genetics (formerly Invitae), Labcorp
Classification: Pathogenic for Dilated cardiomyopathy 1G; Autosomal recessive limb-girdle muscular dystrophy type 2J. Last evaluated: 2024-05-29. Review status: criteria provided, single submitter. Criteria: Invitae Variant Classification Sherloc (09022015). Collection method: clinical testing. Allele origin: germline.
Comment: This sequence change affects an acceptor splice site in intron 356 of the TTN gene. It is expected to disrupt RNA splicing and likely results in a truncated or disrupted TTN protein. This variant is not present in population databases (gnomAD no frequency). Disruption of this splice site has been observed in individuals with autosomal dominant cardiomyopathy (PMID: 34363016; Invitae). ClinVar contains an entry for this variant (Variation ID: 1489015). Algorithms developed to predict the effect of sequence changes on RNA splicing suggest that this variant may disrupt the consensus splice site. This variant is located in the A band of TTN (PMID: 25589632). Truncating variants in this region are significantly overrepresented in patients affected with dilated cardiomyopathy (PMID: 25589632). Truncating variants in this region have also been reported in individuals affected with autosomal recessive centronuclear myopathy (PMID: 23975875). For these reasons, this variant has been classified as Pathogenic.

Literature cited by the submitters: PubMed 34363016; PubMed 25589632; PubMed 23975875.

NM_001267550.2(TTN):c.100172-1G>C

Genes: TTN-AS1 (TTN antisense RNA 1; plus strand), TTN (titin; minus strand), LOC126806420 (BRD4-independent group 4 enhancer GRCh37_chr2:179401104-179402303; plus strand). Cytogenetic location: 2q31.2.
Variant type: single nucleotide variant.
Coding change: c.100172-1G>C on transcript NM_001267550.2 (MANE Select); the canonical splice acceptor site of the intron before coding-DNA position 100172, G replaced by C.
Molecular consequence: splice acceptor variant.
Genome position (GRCh38, 1-based): chr2:178,536,576, C>G on the plus strand (G>C on the coding strand, the complement: TTN is on the minus strand). VCF-style: chr2-178536576-C-G. GRCh37 (hg19) VCF-style: chr2-179401303-C-G.
Other names: c.72977-1G>C (NM_003319.4); c.73553-1G>C (NM_133437.4); c.73352-1G>C (NM_133432.3); c.92468-1G>C (NM_133378.4); c.95249-1G>C (NM_001256850.1).
Identifiers: ClinVar variation 1489015 (VCV001489015.6), dbSNP rs2154137558, ClinGen allele CA349426601.